The following is an entry in ClinVar:

NM_012203.2(GRHPR):c.83+1G>C

Gene: GRHPR (glyoxylate and hydroxypyruvate reductase; plus strand). Cytogenetic location: 9p13.2.
Variant type: single nucleotide variant.
Coding change: c.83+1G>C on transcript NM_012203.2 (MANE Select); the canonical splice donor site of the intron after coding-DNA position 83, G replaced by C.
Molecular consequence: splice donor variant.
Genome position (GRCh38, 1-based): chr9:37,422,834, G>C. VCF-style: chr9-37422834-G-C. GRCh37 (hg19) VCF-style: chr9-37422831-G-C.
Identifiers: ClinVar variation 842547 (VCV000842547.15), dbSNP rs1822898131, ClinGen allele CA373441327.
Genomic context (GRCh38, chr9:37,422,834, plus strand): 5'-GGTGTTCGTCACCCGCAGGATACCCGCCGAGGGTAGGGTCGCGCTCGCCCGGGCGGCAGA[G>C]TAAGAGCCTCGCGCGCCGTGGAGGAGGGAGCAGGGCGGTCCCAGGGACCGGAGAGCCGGG-3'

ClinVar aggregate classification (germline): Pathogenic/Likely pathogenic. Review status: criteria provided, multiple submitters, no conflicts (2 of 4 stars). 4 submissions from 4 submitters: Pathogenic (2); Likely pathogenic (1). 1 of the submissions does not count toward it. Last evaluated 2025-01-15.

Conditions:
Primary hyperoxaluria, type II (HP2). Also called: OXALOSIS II; Primary hyperoxaluria type 2; D-GLYCERATE DEHYDROGENASE DEFICIENCY; GLYCERIC ACIDURIA; GLYOXYLATE REDUCTASE/HYDROXYPYRUVATE REDUCTASE DEFICIENCY. Identifiers: Orphanet 416, Orphanet 93599, MedGen C0268165, MONDO:0009824, OMIM 260000. Disease mechanism: loss of function.

Submissions (4):

Labcorp Genetics (formerly Invitae), Labcorp
Classification: Pathogenic. Last evaluated: 2025-01-15. Review status: criteria provided, single submitter. Criteria: Invitae Variant Classification Sherloc (09022015). Collection method: clinical testing. Allele origin: germline.
Comment: This sequence change affects a donor splice site in intron 1 of the GRHPR gene. It is expected to disrupt RNA splicing. Variants that disrupt the donor or acceptor splice site typically lead to a loss of protein function (PMID: 16199547), and loss-of-function variants in GRHPR are known to be pathogenic (PMID: 25644115). This variant is not present in population databases (gnomAD no frequency). Disruption of this splice site has been observed in individuals with GRPHR-related conditions (PMID: 34674420; internal data). ClinVar contains an entry for this variant (Variation ID: 842547). Algorithms developed to predict the effect of sequence changes on RNA splicing suggest that this variant may disrupt the consensus splice site. For these reasons, this variant has been classified as Pathogenic.

Baylor Genetics
Classification: Likely pathogenic for Primary hyperoxaluria, type II. Last evaluated: 2023-08-31. Review status: criteria provided, single submitter. Criteria: ACMG Guidelines, 2015. Collection method: clinical testing. Allele origin: unknown.

Juno Genomics, Hangzhou Juno Genomics, Inc
Classification: Pathogenic for Primary hyperoxaluria, type II. Review status: criteria provided, single submitter. Criteria: ACMG Guidelines, 2015. Collection method: clinical testing. Allele origin: germline.
Comment: Absent from controls (or at extremely low frequency if recessive) in Genome Aggregation Database.;Null variant in a gene where loss of function (LOF) is a known mechanism of disease.;For recessive disorders, detected in trans with a pathogenic variant.

Chinese Inherited Urolithiasis Consortium, The Affiliated Yantai Yuhuangding Hospital of Qingdao University
Classification: Pathogenic for Primary hyperoxaluria, type II. Last evaluated: 2024-08-26. Review status: no assertion criteria provided. Collection method: clinical testing. Allele origin: paternal. Affected: yes. Observed: 1 variant allele. Not counted in ClinVar's aggregate classification.

Literature cited by the submitters: PubMed 16199547 (cited by Labcorp Genetics (formerly Invitae), Labcorp); PubMed 25644115 (cited by Labcorp Genetics (formerly Invitae), Labcorp); PubMed 34674420 (cited by Labcorp Genetics (formerly Invitae), Labcorp).